The following is an entry in ClinVar:

NM_000815.5(GABRD):c.1059+3G>A

Gene: GABRD (gamma-aminobutyric acid type A receptor subunit delta; plus strand). Cytogenetic location: 1p36.33.
Variant type: single nucleotide variant.
Coding change: c.1059+3G>A on transcript NM_000815.5 (MANE Select); 3 bases into the intron after coding-DNA position 1059, G replaced by A.
Molecular consequence: intron variant.
Genome position (GRCh38, 1-based): chr1:2,029,765, G>A. VCF-style: chr1-2029765-G-A. GRCh37 (hg19) VCF-style: chr1-1961204-G-A.
Identifiers: ClinVar variation 3058576 (VCV003058576.2), dbSNP rs576082385, ClinGen allele CA534868.

ClinVar aggregate classification (germline): Likely benign (0 of 4 stars; one submission).

Conditions:
GABRD-related disorder. Also called: GABRD-related condition.

Allele frequency attached by ClinVar (database versions not stated): gnomAD exomes below 0.00001; TOPMed below 0.00001; gnomAD 0.00001; ExAC 0.00002; 1000 Genomes Project 30x 0.00016; 1000 Genomes Project 0.00020.
gnomAD v4.1: 8 of 1,610,620 alleles (0.0005%); highest among the groups gnomAD compares: South Asian, 0.0033%; no homozygotes.

Submission:

PreventionGenetics, part of Exact Sciences
Classification: Likely benign for GABRD-related condition. Last evaluated: 2019-04-19. Review status: no assertion criteria provided. Collection method: clinical testing. Allele origin: germline.
Comment: This variant is classified as likely benign based on ACMG/AMP sequence variant interpretation guidelines (Richards et al. 2015 PMID: 25741868, with internal and published modifications).